The following is an entry in ClinVar:

ClinVar aggregate classification (germline): Benign/Likely benign. Review status: criteria provided, multiple submitters, no conflicts (2 of 4 stars). 8 submissions from 7 submitters: Benign (1); Likely benign (6). 1 of the submissions does not count toward it. Last evaluated 2026-04-01.

Conditions:
Ectopia lentis 2, isolated, autosomal recessive (ECTOL2). Identifiers: Orphanet 1885, MedGen C3541474, MONDO:0009152, OMIM 225100.
ADAMTSL4-related disorder. Also called: ADAMTSL4-related condition; ADAMTSL4-Related Disorders.
Ectopia lentis et pupillae. Also called: ECTOPIA LENTIS WITH ECTOPIA OF PUPIL. Identifiers: Orphanet 1885, MedGen C1644196, MONDO:0009153, OMIM 225200.

Allele frequency attached by ClinVar (database versions not stated): ESP Exome Variant Server 0.00008; gnomAD 0.00011 and 0.00038; TOPMed 0.00022; 1000 Genomes Project 30x 0.00109; 1000 Genomes Project 0.00120; gnomAD exomes 0.00135; ExAC 0.00153.
gnomAD v4.1: 1,196 of 1,614,080 alleles (0.074%); highest among the groups gnomAD compares: South Asian, 0.99%; 20 homozygotes.

Submissions (8):

CeGaT Center for Human Genetics Tuebingen
Classification: Likely benign. Last evaluated: 2026-04-01. Review status: criteria provided, single submitter. Criteria: CeGaT Center For Human Genetics Tuebingen Variant Classification Criteria Version 2. Collection method: clinical testing. Allele origin: germline. Affected: yes. Observed: 2 variant alleles.
Comment: ADAMTSL4: BP4, BS2

Labcorp Genetics (formerly Invitae), Labcorp
Classification: Benign. Last evaluated: 2026-01-22. Review status: criteria provided, single submitter. Criteria: Invitae Variant Classification Sherloc (09022015). Collection method: clinical testing. Allele origin: germline.

Genomic Medicine Center of Excellence, King Faisal Specialist Hospital and Research Centre
Classification: Likely benign. Last evaluated: 2025-08-18. Review status: criteria provided, single submitter. Criteria: ACMG Guidelines, 2015. Collection method: clinical testing. Allele origin: germline.

Genome-Nilou Lab
Classification: Likely benign for Ectopia lentis et pupillae. Last evaluated: 2023-04-11. Review status: criteria provided, single submitter. Criteria: ACMG Guidelines, 2015. Collection method: clinical testing. Allele origin: germline. Affected: no.

Genome-Nilou Lab
Classification: Likely benign for Ectopia lentis 2, isolated, autosomal recessive. Last evaluated: 2023-04-11. Review status: criteria provided, single submitter. Criteria: ACMG Guidelines, 2015. Collection method: clinical testing. Allele origin: germline. Affected: no.

GeneDx
Classification: Likely benign. Last evaluated: 2021-08-04. Review status: criteria provided, single submitter. Criteria: GeneDx Variant Classification Process June 2021. Collection method: clinical testing. Allele origin: germline. Affected: yes.

Illumina Laboratory Services, Illumina
Classification: Likely benign for Ectopia lentis 2, isolated, autosomal recessive. Last evaluated: 2018-01-13. Review status: criteria provided, single submitter. Criteria: ICSL Variant Classification Criteria 13 December 2019. Collection method: clinical testing. Allele origin: germline.
Comment: This variant was observed in the ICSL laboratory as part of a predisposition screen in an ostensibly healthy population. It had not been previously curated by ICSL or reported in the Human Gene Mutation Database (HGMD: prior to June 1st, 2018), and was therefore a candidate for classification through an automated scoring system. Utilizing variant allele frequency, disease prevalence and penetrance estimates, and inheritance mode, an automated score was calculated to assess if this variant is too frequent to cause the disease. Based on the score and internal cut-off values, a variant classified as likely benign is not then subjected to further curation. The score for this variant resulted in a classification of likely benign for this disease.

PreventionGenetics, part of Exact Sciences
Classification: Benign for ADAMTSL4-related condition. Last evaluated: 2024-05-02. Review status: no assertion criteria provided. Collection method: clinical testing. Allele origin: germline. Not counted in ClinVar's aggregate classification.
Comment: This variant is classified as benign based on ACMG/AMP sequence variant interpretation guidelines (Richards et al. 2015 PMID: 25741868, with internal and published modifications).

NM_019032.6(ADAMTSL4):c.3178C>G (p.Arg1060Gly)

Gene: ADAMTSL4 (ADAMTS like 4; plus strand). Cytogenetic location: 1q21.2.
Variant type: single nucleotide variant.
Coding change: c.3178C>G on transcript NM_019032.6 (MANE Select); coding-DNA position 3178, C replaced by G.
Protein change: p.Arg1060Gly; replaces arginine 1060 with glycine.
Molecular consequence: missense variant.
Genome position (GRCh38, 1-based): chr1:150,560,149, C>G. VCF-style: chr1-150560149-C-G. GRCh37 (hg19) VCF-style: chr1-150532625-C-G.
Other names: c.3061C>G, p.Arg1021Gly (NM_001288607.2); c.3247C>G, p.Arg1083Gly (NM_001288608.2); c.3178C>G, p.Arg1060Gly (NM_001378596.1); short protein forms R1083G, R1060G, R1021G.
Identifiers: ClinVar variation 876461 (VCV000876461.40), dbSNP rs145169593, ClinGen allele CA1078976.